The following is an entry in ClinVar:

ClinVar aggregate classification (germline): Uncertain significance (1 of 4 stars; one submission).

Conditions:
Hereditary cancer-predisposing syndrome. Also called: Neoplastic Syndromes, Hereditary; Tumor predisposition; Hereditary Cancer Syndrome; Hereditary neoplastic syndrome. Identifiers: Orphanet 140162, MedGen C0027672, MeSH D009386, MONDO:0015356.

Submission:

Ambry Genetics
Classification: Uncertain significance for Hereditary cancer-predisposing syndrome. Last evaluated: 2015-04-16. Review status: criteria provided, single submitter. Criteria: Ambry Variant Classification Scheme 2023. Collection method: clinical testing. Allele origin: germline.
Comment: The p.F391L variant (also known as c.1171T>C), located in coding exon 4 of the MSH6 gene, results from a T to C substitution at nucleotide position 1171. The phenylalanine at codon 391 is replaced by leucine, an amino acid with highly similar properties. This variant was not reported in population based cohorts in the following databases: Database of Single Nucleotide Polymorphisms (dbSNP), NHLBI Exome Sequencing Project (ESP), and 1000 Genomes Project. In the ESP, this variant was not observed in 6503 samples (13006 alleles) with coverage at this position. To date, this alteration has been detected with an allele frequency of approximately 0.002% (greater than 65000 alleles tested) in our clinical cohort. This amino acid position is not well conserved in available vertebrate species. In addition, this alteration is predicted to be benign and deleterious by PolyPhen and SIFT in silico analyses, respectively. Since supporting evidence is limited at this time, the clinical significance of p.F391L remains unclear.

NM_000179.3(MSH6):c.1171T>C (p.Phe391Leu)

Gene: MSH6 (mutS homolog 6; plus strand). Cytogenetic location: 2p16.3.
Variant type: single nucleotide variant.
Coding change: c.1171T>C on transcript NM_000179.3 (MANE Select); coding-DNA position 1171, T replaced by C.
Protein change: p.Phe391Leu; replaces phenylalanine 391 with leucine.
Molecular consequence: missense variant.
Genome position (GRCh38, 1-based): chr2:47,799,154, T>C. VCF-style: chr2-47799154-T-C. GRCh37 (hg19) VCF-style: chr2-48026293-T-C.
Other names: c.781T>C, p.Phe261Leu (NM_001281492.2); c.265T>C, p.Phe89Leu (NM_001281493.2, NM_001281494.2); short protein forms F391L, F89L, F261L.
Identifiers: ClinVar variation 231329 (VCV000231329.5), dbSNP rs876659096, ClinGen allele CA10578062.